The following is an entry in ClinVar:

ClinVar aggregate classification (germline): Pathogenic. Review status: criteria provided, multiple submitters, no conflicts (2 of 4 stars). 3 submissions from 3 submitters: Pathogenic (3). Last evaluated 2024-05-28.

Conditions:
Hereditary cancer-predisposing syndrome. Also called: Tumor predisposition; Hereditary Cancer Syndrome; Neoplastic Syndromes, Hereditary; Hereditary neoplastic syndrome. Identifiers: Orphanet 140162, MedGen C0027672, MeSH D009386, MONDO:0015356.
Lynch syndrome 5 (LYNCH5). Also called: Hereditary non-polyposis colorectal cancer, type 5; Colorectal cancer, hereditary nonpolyposis, type 5. Identifiers: Orphanet 144, MedGen C1833477, MONDO:0013710, OMIM 614350. Disease mechanism: loss of function.

Submissions (3):

Ambry Genetics
Classification: Pathogenic for Hereditary cancer-predisposing syndrome. Last evaluated: 2024-05-28. Review status: criteria provided, single submitter. Criteria: Ambry Variant Classification Scheme 2023. Collection method: clinical testing. Allele origin: germline.
Comment: The c.3742_3745dupCACT pathogenic mutation, located in coding exon 8 of the MSH6 gene, results from a duplication of CACT at nucleotide positions 3742 to 3745, causing a translational frameshift with a predicted alternate stop codon (p.Y1249Sfs*27). This alteration is expected to result in loss of function by premature protein truncation or nonsense-mediated mRNA decay. As such, this alteration is interpreted as a disease-causing mutation.

Myriad Genetics, Inc.
Classification: Pathogenic for Lynch syndrome 5. Last evaluated: 2023-08-25. Review status: criteria provided, single submitter. Criteria: Myriad Autosomal Dominant, Autosomal Recessive and X-Linked Classification Criteria (2023). Collection method: clinical testing. Allele origin: unknown.
Comment: This variant is considered pathogenic. This variant creates a frameshift predicted to result in premature protein truncation.

Quest Diagnostics Nichols Institute San Juan Capistrano
Classification: Pathogenic. Last evaluated: 2018-04-26. Review status: criteria provided, single submitter. Criteria: Quest Diagnostics criteria. Collection method: clinical testing. Allele origin: germline.

NM_000179.3(MSH6):c.3742_3745dup (p.Tyr1249fs)

Gene: MSH6 (mutS homolog 6; plus strand). Cytogenetic location: 2p16.3.
Variant type: Duplication.
Coding change: c.3742_3745dup on transcript NM_000179.3 (MANE Select); coding-DNA positions 3742 to 3745, 4 bases duplicated (CACT; older notation c.3742_3745dupCACT).
Protein change: p.Tyr1249fs; shifts the reading frame from tyrosine 1249.
Molecular consequence: frameshift variant.
Genome position (GRCh38, 1-based): chr2:47,806,299-47,806,302, CACT duplicated; duplicating any 4 consecutive bases within chr2:47,806,296-47,806,302 gives the same sequence; the c. name uses the placement nearest the transcript's 3' end. VCF-style (leftmost placement, unchanged base first): chr2-47806295-A-AACTC. GRCh37 (hg19) VCF-style: chr2-48033434-A-AACTC.
Other names: c.3352_3355dup, p.Tyr1119fs (NM_001281492.2); c.2836_2839dup, p.Tyr947fs (NM_001281493.2, NM_001281494.2); c.3742_3745dupCACT (NM_000179.2); short protein forms Y1119fs, Y1249fs, Y947fs.
Identifiers: ClinVar variation 619875 (VCV000619875.8), dbSNP rs1558392265, ClinGen allele CA913189358.
Genomic context (GRCh38, chr2:47,806,295, plus strand): 5'-AATAGCAAATGCAGTTGTTAAAGAACTTGCTGAGACTATAAAATGTCGTACATTATTTTC[A>AACTC]ACTCACTACCATTCATTAGTAGAAGATTATTCTCAAAATGTTGCTGTGCGCCTAGGACAT-3'